The following is an entry in ClinVar:

ClinVar aggregate classification (germline): Uncertain significance. Review status: criteria provided, multiple submitters, no conflicts (2 of 4 stars). 3 submissions from 3 submitters: Uncertain significance (3). Last evaluated 2025-08-22.

Conditions:
DICER1-related tumor predisposition. Also called: DICER1-related pleuropulmonary blastoma cancer predisposition syndrome; DICER1 syndrome. Identifiers: Orphanet 284343, MedGen C3839822, MONDO:0100216.
Hereditary cancer-predisposing syndrome. Also called: Tumor predisposition; Neoplastic Syndromes, Hereditary; Hereditary Cancer Syndrome; Hereditary neoplastic syndrome. Identifiers: Orphanet 140162, MedGen C0027672, MeSH D009386, MONDO:0015356.

Allele frequency attached by ClinVar (database versions not stated): gnomAD 0.00001.
gnomAD v4.1: 2 of 1,613,984 alleles (0.00012%); highest among the groups gnomAD compares: Middle Eastern, 0.016%; no homozygotes.

Submissions (3):

Labcorp Genetics (formerly Invitae), Labcorp
Classification: Uncertain significance for DICER1-related tumor predisposition. Last evaluated: 2025-08-22. Review status: criteria provided, single submitter. Criteria: Invitae Variant Classification Sherloc (09022015). Collection method: clinical testing. Allele origin: germline.
Comment: This sequence change replaces glutamic acid, which is acidic and polar, with lysine, which is basic and polar, at codon 755 of the DICER1 protein (p.Glu755Lys). This variant is not present in population databases (gnomAD no frequency). This variant has not been reported in the literature in individuals affected with DICER1-related conditions. ClinVar contains an entry for this variant (Variation ID: 479656). Invitae Evidence Modeling of protein sequence and biophysical properties (such as structural, functional, and spatial information, amino acid conservation, physicochemical variation, residue mobility, and thermodynamic stability) indicates that this missense variant is not expected to disrupt DICER1 protein function with a negative predictive value of 95%. In summary, the available evidence is currently insufficient to determine the role of this variant in disease. Therefore, it has been classified as a Variant of Uncertain Significance.

Center for Genomic Medicine, Rigshospitalet, Copenhagen University Hospital
Classification: Uncertain significance. Last evaluated: 2025-03-04. Review status: criteria provided, single submitter. Criteria: ACMG Guidelines, 2015. Collection method: clinical testing. Allele origin: germline.

Ambry Genetics
Classification: Uncertain significance for Hereditary cancer-predisposing syndrome. Last evaluated: 2022-12-13. Review status: criteria provided, single submitter. Criteria: Ambry Variant Classification Scheme 2023. Collection method: clinical testing. Allele origin: germline.
Comment: The p.E755K variant (also known as c.2263G>A), located in coding exon 14 of the DICER1 gene, results from a G to A substitution at nucleotide position 2263. The glutamic acid at codon 755 is replaced by lysine, an amino acid with similar properties. This amino acid position is highly conserved in available vertebrate species. In addition, this alteration is predicted to be deleterious by in silico analysis. Since supporting evidence is limited at this time, the clinical significance of this alteration remains unclear.

NM_177438.3(DICER1):c.2263G>A (p.Glu755Lys)

Gene: DICER1 (dicer 1, ribonuclease III; minus strand). Cytogenetic location: 14q32.13.
Variant type: single nucleotide variant.
Coding change: c.2263G>A on transcript NM_177438.3 (MANE Select); coding-DNA position 2263, G replaced by A.
Protein change: p.Glu755Lys; replaces glutamic acid 755 with lysine.
Molecular consequence: missense variant.
Genome position (GRCh38, 1-based): chr14:95,108,497, C>T on the plus strand (G>A on the coding strand, the complement: DICER1 is on the minus strand). VCF-style: chr14-95108497-C-T. GRCh37 (hg19) VCF-style: chr14-95574834-C-T.
Other names: c.2263G>A, p.Glu755Lys (NM_001195573.1, NM_001271282.3, NM_001291628.2 and 1 more transcripts); short protein forms E755K.
Identifiers: ClinVar variation 479656 (VCV000479656.11), dbSNP rs1555370957, ClinGen allele CA390882430.